The following is an entry in ClinVar:

NM_001036.6(RYR3):c.7570T>C (p.Trp2524Arg)

Gene: RYR3 (ryanodine receptor 3; plus strand). Cytogenetic location: 15q14.
Variant type: single nucleotide variant.
Coding change: c.7570T>C on transcript NM_001036.6 (MANE Select); coding-DNA position 7570, T replaced by C.
Protein change: p.Trp2524Arg; replaces tryptophan 2524 with arginine.
Molecular consequence: missense variant.
Genome position (GRCh38, 1-based): chr15:33,738,504, T>C. VCF-style: chr15-33738504-T-C. GRCh37 (hg19) VCF-style: chr15-34030705-T-C.
Other names: c.7570T>C, p.Trp2524Arg (NM_001243996.4); short protein forms W2524R.
Identifiers: ClinVar variation 2410807 (VCV002410807.25), dbSNP rs750760036, ClinGen allele CA7459921.
Genomic context (GRCh38, chr15:33,738,504, plus strand): 5'-TCCCAGCTTCTGACGAATCACTATGAACAGTGTTGGAAGTATTACTGCCTGCCTTCAGGA[T>C]GGGGGAGCTACGGGCTAGCTGTGGAAGAAGAGCTGCACCTAACGGAGAAGCTTTTCTGGG-3'
Protein context (NP_001027.3, residues 2514-2534): CWKYYCLPSG[Trp2524Arg]GSYGLAVEEE

ClinVar aggregate classification (germline): Uncertain significance. Review status: criteria provided, multiple submitters, no conflicts (2 of 4 stars). 2 submissions from 2 submitters: Uncertain significance (2). Last evaluated 2025-01-09.

Allele frequency attached by ClinVar (database versions not stated): ExAC 0.00001; gnomAD 0.00001; TOPMed 0.00001.
gnomAD v4.1: 29 of 1,613,798 alleles (0.0018%); highest among the groups gnomAD compares: Admixed American, 0.0033%; no homozygotes.

Submissions (2):

Ambry Genetics
Classification: Uncertain significance. Last evaluated: 2025-01-09. Review status: criteria provided, single submitter. Criteria: Ambry Variant Classification Scheme 2023. Collection method: clinical testing. Allele origin: germline.

CeGaT Center for Human Genetics Tuebingen
Classification: Uncertain significance. Last evaluated: 2023-12-01. Review status: criteria provided, single submitter. Criteria: CeGaT Center For Human Genetics Tuebingen Variant Classification Criteria Version 2. Collection method: clinical testing. Allele origin: germline. Affected: yes. Observed: 1 variant allele.
Comment: RYR3: PM2, PP3